The following is an entry in ClinVar:

NM_000719.7(CACNA1C):c.4436T>C (p.Phe1479Ser)

Gene: CACNA1C (calcium voltage-gated channel subunit alpha1 C; plus strand). Cytogenetic location: 12p13.33.
Variant type: single nucleotide variant.
Coding change: c.4436T>C on transcript NM_000719.7 (MANE Select); coding-DNA position 4436, T replaced by C.
Protein change: p.Phe1479Ser; replaces phenylalanine 1479 with serine.
Molecular consequence: missense variant.
Genome position (GRCh38, 1-based): chr12:2,665,618, T>C. VCF-style: chr12-2665618-T-C. GRCh37 (hg19) VCF-style: chr12-2774784-T-C.
Other names: c.4580T>C, p.Phe1527Ser (NM_001129827.2, NM_199460.4); c.4502T>C, p.Phe1501Ser (NM_001129829.2); c.4436T>C, p.Phe1479Ser (NM_001129830.3, NM_001129833.2, NM_001129834.2 and 7 more transcripts); c.4520T>C, p.Phe1507Ser (NM_001129831.2); c.4496T>C, p.Phe1499Ser (NM_001129832.2); c.4487T>C, p.Phe1496Ser (NM_001129836.2); c.4403T>C, p.Phe1468Ser (NM_001129837.2, NM_001129838.2, NM_001129846.2 and 1 more transcripts); c.4397T>C, p.Phe1466Ser (NM_001129839.2); and 1 more; short protein forms F1466S, F1468S, F1476S, F1479S, F1496S, F1499S, F1501S, F1507S.
Identifiers: ClinVar variation 992575 (VCV000992575.3), dbSNP rs2096050688, ClinGen allele CA383376181.

ClinVar aggregate classification (germline): Uncertain significance (1 of 4 stars; one submission).

Conditions:
Timothy syndrome (TS). Also called: LONG QT SYNDROME WITH SYNDACTYLY. Identifiers: Orphanet 65283, MedGen C1832916, MeSH C536962, MONDO:0010979, OMIM 601005.
Brugada syndrome 3 (BRGDA3). Identifiers: Orphanet 130, MedGen C2678478, MONDO:0012742, OMIM 611875.
Long QT syndrome 8. Identifiers: MedGen CN260585, MONDO:0032756, OMIM 618447.

Submission:

Institute of Human Genetics, University of Goettingen
Classification: Uncertain significance for Brugada syndrome 3; Long QT syndrome 8; Timothy syndrome. Last evaluated: 2020-12-18. Review status: criteria provided, single submitter. Criteria: ACMG Guidelines, 2015. Collection method: clinical testing. Allele origin: de novo. Inheritance: Autosomal dominant inheritance. Observed: 1 heterozygote.
Comment: The variant c.4436T>C (p.(Phe1479Ser)) in exon 36 of the CACNA1C-gene is not found in known databases (ExAC or gnomAD), it affects a highly conserved nucleotide, a highly conserved amino acid and there is a large physicochemical difference between Phe and Ser. This variant has a pathogenic computational verdict based on in silico prediction programs. ACMG criteria used for classification: PM2, PM1, PP3.